The following is an entry in ClinVar:

ClinVar aggregate classification (germline): Pathogenic/Likely pathogenic. Review status: criteria provided, multiple submitters, no conflicts (2 of 4 stars). 96 submissions from 73 submitters: Pathogenic (76); Likely pathogenic (3). 17 of the submissions do not count toward it. Last evaluated 2026-11-13.

Conditions:
Episodic kinesigenic dyskinesia 1 (EKD1). Also called: PxMD-PRRT2; PAROXYSMAL KINESIGENIC CHOREOATHETOSIS; Dystonia 10; PRRT2-Related Paroxysmal Kinesigenic Dyskinesia (PKD); DYSTONIA, FAMILIAL PAROXYSMAL. Identifiers: Orphanet 98809, MedGen C4552000, MONDO:0100352, OMIM 128200, MONDO:0007494.
Seizures, benign familial infantile, 2 (BFIS2). Also called: CONVULSIONS, BENIGN FAMILIAL INFANTILE, 2. Identifiers: Orphanet 306, MedGen C1853995, MONDO:0011593, OMIM 605751.
Epilepsy, familial focal, with variable foci 3 (FFEVF3). Identifiers: MedGen C4310708, MONDO:0014925, OMIM 617118.
Paroxysmal central nervous system disorders.
Autosomal dominant PRRT2-related disorders.
Inborn genetic diseases. Identifiers: MedGen C0950123, MeSH D030342.
Self-limited familial infantile epilepsy. Also called: Self-limited familial and non-familial infantile seizures. Identifiers: MedGen CN322666, MONDO:0100024.
PRRT2-Related Disorder. Also called: PRRT2-related disorders. Identifiers: MedGen CN381059.
PRRT2-Associated Paroxysmal Movement Disorders.
Infantile convulsions and choreoathetosis (ICCA). Also called: PRRT2-Related Paroxysmal Kinesigenic Dyskinesia with Infantile Convulsions (PKD/IC); PAROXYSMAL KINESIGENIC DYSKINESIA WITH INFANTILE CONVULSIONS. Identifiers: Orphanet 31709, MedGen C1865926, MONDO:0011178, OMIM 602066.
Episodic kinesigenic dyskinesia (EKD). Also called: Paroxysmal kinesigenic dyskinesia. Identifiers: Orphanet 98809, MedGen C1868682, MONDO:0044202.
Epilepsy. Also called: Seizure disorder. Identifiers: MedGen C0014544, MeSH D004827, MONDO:0005027.
Severe myoclonic epilepsy in infancy (DRVT). Also called: DEVELOPMENTAL AND EPILEPTIC ENCEPHALOPATHY 6A; Severe Myoclonic Epilepsy in Infancy (SMEI); Dravet syndrome; SEVERE MYOCLONIC EPILEPSY OF INFANCY; Epileptic encephalopathy, early infantile, 6 (Dravet syndrome). Identifiers: Orphanet 33069, MedGen C0751122, MONDO:0100135, OMIM 607208.
Seizure. Also called: Seizures. Identifiers: MedGen C0036572, HP:0001250.
Convulsions. Also called: convulsion. Identifiers: MedGen C4048158.
PRRT2 insufficiency.
Paroxysmal nonkinesigenic dyskinesia 1 (PNKD1). Also called: PxMD-PNKD; MOUNT-REBACK SYNDROME; Familial Paroxysmal Nonkinesigenic Dyskinesia; PAROXYSMAL DYSTONIC CHOREOATHETOSIS; Nonkinesigenic choreoathetosis; Familial paroxysmal choreoathetosis. Identifiers: Orphanet 98810, MedGen C4551506, MONDO:0700089, OMIM 118800, MONDO:0007326.
Neurodevelopmental delay. Identifiers: MedGen C4022738, HP:0012758.

Submissions 1 to 6 of 96:

Randwick Genomics Laboratory, Prince of Wales Hospital Sydney, Australia, New South Wales Health Pathology
Classification: Pathogenic for Seizures, benign familial infantile, 2. Last evaluated: 2026-11-13. Review status: criteria provided, single submitter. Criteria: ACMG Guidelines, 2015. Collection method: clinical testing. Allele origin: germline. Inheritance: Autosomal dominant inheritance. Affected: yes. Observed: 1 variant allele.
Comment: RESULT A well-evidenced heterozygous PATHOGENIC frameshift variant is present in PRRT2 INTERPRETATION Pathogenic variants in PRRT2, encoding the Proline-Rich Transmembrane Protein 2, cause a spectrum of disorders including benign familial infantile epilepsy, infantile convulsions and choreoathetosis, paroxysmal kinesigenic dyskinesia, and have been associated with various additional childhood-onset movement disorders, different forms of seizures, headache disorders, and intellectual disability. The vast majority of pathogenic variants lead to a truncated or no protein at all and thus to a haploinsufficient state [PMID 26598493]. Significant incomplete penetrance has been reported, estimated to be between 50 - 90% [PMID 22875091], and no correlation between genotype and phenotype has been established. The PRRT2:c.649dup is a single base pair duplication in codon 217 of exon 2 that is predicted to result in a transcriptional frameshift and introduction of a premature termination codon 8 codons downstream of this site - p. (Arg217Profs*8). Transcripts containing this variant are predicted to be degraded by the nonsense-mediated mRNA decay pathway. This is a well-evidenced pathogenic variant that is reported in ~80% of individuals with PRRT2- related disorders [PMID 26598493] and is documented in ClinVar (Variation ID: 65758) as pathogenic/likely pathogenic 72 times. However, this variant is observed in 997 heterozygotes in gnomAD (v4.1.0) and therefore must be associated with reduced penetrance [PMID 23638157]. Due to the low complexity nature of the genomic sequence surrounding this hotspot variant, comprising a homopolymer stretch of four guanine bases followed by nine consecutive cytosine bases, it has been speculated that DNA polymerase 'slippage' during DNA replication may result in the generation of this commonly observed variant [PMID 23176561]. Assessment of this variant in vitro suggests that while most variant transcript is subject to nonsense-mediated mRNA decay, some undegraded truncated protein is produced and observed to mislocalise to the cytoplasm [PMID 25457817]. Pathogenicity summary: The PRRT2:c.649dup | p.(Arg217Profs*8) is a well-evidenced pathogenic variant. Zygosity: 1 Single heterozygote

CeGaT Center for Human Genetics Tuebingen
Classification: Pathogenic. Last evaluated: 2026-09-01. Review status: criteria provided, single submitter. Criteria: CeGaT Center For Human Genetics Tuebingen Variant Classification Criteria Version 2. Collection method: clinical testing. Allele origin: germline. Affected: yes. Observed: 119 variant alleles.
Comment: PRRT2: PVS1, PP1:Strong, PS2, PS4

OLLIN Analises Genomicas, OLLIN
Classification: Pathogenic for Seizures, benign familial infantile, 2. Last evaluated: 2026-08-06. Review status: criteria provided, single submitter. Criteria: ACMG Guidelines 2015 PMID 25741868. Collection method: clinical testing. Allele origin: germline. Inheritance: Autosomal dominant inheritance.
Comment: This frameshift variant, located in exon 2 (of 4), has been reported in ClinVar (accession VCV000039752.89), in gnomAD with an allele frequency of 0.066%, and in the scientific literature, segregating with the phenotype, in individuals with PRRT2 related disorders (PMID: 25457817, 22243967, 22870186, 22875091, 23077024, 23077026, 22399141, 22209761, 22101681, 22131361, 25522171). This variant causes a frameshift and introduces a premature stop codon, which is predicted to result in either a truncated protein or degradation of the mRNA via nonsense-mediated decay (NMD). Functional studies suggest that this variant may affect protein function (PMID: 25457817). According to the currently available evidence, this variant has been classified as pathogenic (PVS1, PS3_P, PS4, PP1).

Institute of Human Genetics, University of Leipzig Medical Center
Classification: Pathogenic for Infantile convulsions and choreoathetosis. Last evaluated: 2026-07-29. Review status: criteria provided, single submitter. Criteria: ACMG Guidelines, 2015. Collection method: clinical testing. Allele origin: unknown. Inheritance: Autosomal dominant inheritance. Affected: yes.
Comment: Criteria applied: PVS1,PS3_SUP,PS4

Ambry Genetics
Classification: Pathogenic for Inborn genetic diseases. Last evaluated: 2026-07-17. Review status: criteria provided, single submitter. Criteria: Ambry Variant Classification Scheme 2023. Collection method: clinical testing. Allele origin: germline.
Comment: The c.649dupC (p.R217Pfs*8) alteration, located in exon 2 (coding exon 1) of the PRRT2 gene, results from a duplication of C at position 649, causing a translational frameshift with a predicted alternate stop codon after 8 amino acids. This alteration is expected to result in loss of function by premature protein truncation or nonsense-mediated mRNA decay. The Genome Aggregation Database (gnomAD) data for this variant is unreliable due to technical and/or biological issues; therefore, population frequency estimates were not considered. The PRRT2 c.649dupC (p.R217Pfs*8) alteration is the most common pathogenic variant in PRRT2 and can be identified in approximately 80% of affected individuals (Ebrahimi-Fakhari, 2015). This alteration has been identified in individuals and families with paroxysmal kinesigenic dyskinesia, benign familial infantile epilepsy, hemiplegic migraine, or a combination of these presentations; in at least one individual, it was determined to be de novo (Chen, 2011; Heron, 2012; Pelzer, 2014; Ebrahimi-Fakhari, 2015, Zheng, 2026, Ambry internal data). Functional analysis demonstrated that the PRRT2 c.649dupC (p.R217Pfs*8) alteration results in an mRNA transcript that undergoes nonsense mediated decay (Wu, 2014). Any truncated mRNA transcript that is translated has been shown to mislocalize and is found in the cytoplasm rather than the plasma membrane (Chen, 2011). Other studies have found no detectable protein associated with the c.649dupC (p.R217Pfs*8) alteration (Li, 2015). Functional studies have also shown that the c.649dupC (p.R217Pfs*8) alteration results in a protein that is unable to interact with components of the SNARE complex or glutamate receptors (Li, 2015). Based on the available evidence, this alteration is classified as pathogenic.

Institute of Human Genetics, University of Leipzig Medical Center
Classification: Pathogenic for Seizures, benign familial infantile, 2. Last evaluated: 2026-06-15. Review status: criteria provided, single submitter. Criteria: ACMG Guidelines, 2015. Collection method: clinical testing. Allele origin: unknown. Inheritance: Autosomal dominant inheritance. Affected: yes.
Comment: Criteria applied: PVS1,PS4,PS3_SUP

NM_145239.3(PRRT2):c.649dup (p.Arg217fs)

Genes: MVP-DT (MVP divergent transcript; minus strand), PRRT2 (proline rich transmembrane protein 2; plus strand). Cytogenetic location: 16p11.2.
Variant type: Duplication.
Coding change: c.649dup on transcript NM_145239.3 (MANE Select); coding-DNA position 649, one base duplicated (C; older notation c.649dupC).
Protein change: p.Arg217fs; shifts the reading frame from arginine 217.
Molecular consequence: frameshift variant.
Genome position (GRCh38, 1-based): chr16:29,813,703, C duplicated; the last of 9 consecutive C bases (chr16:29,813,695-29,813,703); duplicating any one gives the same sequence. VCF-style (leftmost placement, unchanged base first): chr16-29813694-G-GC. GRCh37 (hg19) VCF-style: chr16-29825015-G-GC.
Other names: p.Arg217ProfsTer8; NP_660282.2:p.(Arg217ProfsTer8); 649_650insC; c.649dup (NM_001256442.1); c.649dup, p.Arg217fs (NM_001256442.2, NM_001256443.2); c.649_650insC (NM_145239.2); c.649dupC (NM_145239.3); c.640_641insC (NM_145239.3); short protein forms R217fs.
Identifiers: ClinVar variation 65758 (VCV000065758.161), dbSNP rs587778771, ClinGen allele CA180353.
Genomic context (GRCh38, chr16:29,813,694, plus strand): 5'-GAGGGCCCAGCCCCTGAGCCTCACTCACCACCCTCAAAAAAATCCCCCCCAGCCAATGGG[G>GC]CCCCCCCCCGAGTGCTGCAGCAGCTGGTTGAGGAGGATCGAATGAGAAGGGCACACAGTG-3'